The following is an entry in ClinVar:

NM_001040142.2(SCN2A):c.2341T>C (p.Tyr781His)

Gene: SCN2A (sodium voltage-gated channel alpha subunit 2; plus strand). Cytogenetic location: 2q24.3.
Variant type: single nucleotide variant.
Coding change: c.2341T>C on transcript NM_001040142.2 (MANE Select); coding-DNA position 2341, T replaced by C.
Protein change: p.Tyr781His; replaces tyrosine 781 with histidine.
Molecular consequence: missense variant.
Genome position (GRCh38, 1-based): chr2:165,331,521, T>C. VCF-style: chr2-165331521-T-C. GRCh37 (hg19) VCF-style: chr2-166188031-T-C.
Other names: c.2341T>C, p.Tyr781His (NM_001040143.2, NM_001371246.1, NM_001371247.1 and 1 more transcripts); short protein forms Y781H.
Identifiers: ClinVar variation 2446305 (VCV002446305.1), dbSNP rs2467962097, ClinGen allele CA349031483.

ClinVar aggregate classification (germline): Likely pathogenic (1 of 4 stars; one submission).

Submission:

GeneDx
Classification: Likely pathogenic. Last evaluated: 2022-11-29. Review status: criteria provided, single submitter. Criteria: GeneDx Variant Classification Process June 2021. Collection method: clinical testing. Allele origin: germline. Affected: yes.
Comment: Not observed at significant frequency in large population cohorts (gnomAD); Missense variants in this gene are often considered pathogenic (HGMD); In silico analysis supports that this missense variant has a deleterious effect on protein structure/function; Has not been previously published as pathogenic or benign to our knowledge; This substitution is predicted to be within the extracellular loop between the S1 and S2 transmembrane segments of the second homologous domain.